The following is an entry in ClinVar:

NM_001849.4(COL6A2):c.1396-26_1396-10del

Gene: COL6A2 (collagen type VI alpha 2 chain; plus strand). Cytogenetic location: 21q22.3.
Variant type: Deletion.
Coding change: c.1396-26_1396-10del on transcript NM_001849.4 (MANE Select); 26 bases into the intron before coding-DNA position 1396 through 10 bases into the intron before coding-DNA position 1396, 17 bases deleted (CCCCAAATTCCTCCCCT).
Molecular consequence: intron variant.
Genome position (GRCh38, 1-based): chr21:46,121,035-46,121,051, CCCCAAATTCCTCCCCT deleted. VCF-style (leftmost placement, unchanged base first): chr21-46121034-ACCCCAAATTCCTCCCCT-A. GRCh37 (hg19) VCF-style: chr21-47540948-ACCCCAAATTCCTCCCCT-A.
Other names: c.1396-26_1396-10delCCCCAAATTCCTCCCCT (NM_001849.3); c.1396-26_1396-10del (NM_058175.3, NM_058174.3).
Identifiers: ClinVar variation 658953 (VCV000658953.9), dbSNP rs1601237036, ClinGen allele CA915952637.

ClinVar aggregate classification (germline): Uncertain significance (1 of 4 stars; one submission).

Conditions:
Bethlem myopathy 1A. Also called: Bethlem Muscular Dystrophy; Bethlem myopathy 1; MYOPATHY, BENIGN CONGENITAL, WITH CONTRACTURES. Identifiers: Orphanet 610, MedGen CN029274, MONDO:0024530, OMIM 158810.

Submission:

Labcorp Genetics (formerly Invitae), Labcorp
Classification: Uncertain significance for Bethlem myopathy 1A. Last evaluated: 2022-08-30. Review status: criteria provided, single submitter. Criteria: Invitae Variant Classification Sherloc (09022015). Collection method: clinical testing. Allele origin: germline.
Comment: In summary, the available evidence is currently insufficient to determine the role of this variant in disease. Therefore, it has been classified as a Variant of Uncertain Significance. Algorithms developed to predict the effect of sequence changes on RNA splicing suggest that this variant may disrupt the consensus splice site. ClinVar contains an entry for this variant (Variation ID: 658953). This variant has been observed in individual(s) with COL6A2-related conditions (Invitae). This variant is not present in population databases (gnomAD no frequency). This sequence change falls in intron 16 of the COL6A2 gene. It does not directly change the encoded amino acid sequence of the COL6A2 protein.